The following is an entry in ClinVar:

NM_213599.3(ANO5):c.2425T>G (p.Tyr809Asp)

Gene: ANO5 (anoctamin 5; plus strand). Cytogenetic location: 11p14.3.
Variant type: single nucleotide variant.
Coding change: c.2425T>G on transcript NM_213599.3 (MANE Select); coding-DNA position 2425, T replaced by G.
Protein change: p.Tyr809Asp; replaces tyrosine 809 with aspartic acid.
Molecular consequence: missense variant.
Genome position (GRCh38, 1-based): chr11:22,276,104, T>G. VCF-style: chr11-22276104-T-G. GRCh37 (hg19) VCF-style: chr11-22297650-T-G.
Other names: c.2422T>G, p.Tyr808Asp (NM_001142649.2); short protein forms Y809D, Y808D.
Identifiers: ClinVar variation 468843 (VCV000468843.7), dbSNP rs781142402, ClinGen allele CA5923581.

ClinVar aggregate classification (germline): Uncertain significance (1 of 4 stars; one submission).

Conditions:
Autosomal recessive limb-girdle muscular dystrophy type 2L (LGMDR12). Also called: Limb-Girdle Muscular Dystrophy R12 Anoctamin-5-Related (LGMD-R12); Limb-girdle muscular dystrophy, type 2L; MUSCULAR DYSTROPHY, LIMB-GIRDLE, AUTOSOMAL RECESSIVE 12. Identifiers: Orphanet 206549, MedGen C1969785, MONDO:0012652, OMIM 611307.
Gnathodiaphyseal dysplasia (GDD). Also called: GNATHODIAPHYSEAL SCLEROSIS; OSTEOGENESIS IMPERFECTA WITH UNUSUAL SKELETAL LESIONS. Identifiers: Orphanet 53697, MedGen C1833736, MONDO:0008151, OMIM 166260.

Allele frequency attached by ClinVar (database versions not stated): gnomAD exomes below 0.00001 and 0.00002; gnomAD 0.00001; TOPMed 0.00001; ExAC 0.00003.
gnomAD v4.1: 5 of 1,606,824 alleles (0.00031%); highest among the groups gnomAD compares: Admixed American, 0.0084%; no homozygotes.

Submission:

Labcorp Genetics (formerly Invitae), Labcorp
Classification: Uncertain significance for Autosomal recessive limb-girdle muscular dystrophy type 2L; Gnathodiaphyseal dysplasia. Last evaluated: 2025-08-26. Review status: criteria provided, single submitter. Criteria: Invitae Variant Classification Sherloc (09022015). Collection method: clinical testing. Allele origin: germline.
Comment: This sequence change replaces tyrosine, which is neutral and polar, with aspartic acid, which is acidic and polar, at codon 809 of the ANO5 protein (p.Tyr809Asp). This variant is present in population databases (rs781142402, gnomAD 0.01%). This missense change has been observed in individual(s) with clinical features of ANO5-related conditions (internal data). ClinVar contains an entry for this variant (Variation ID: 468843). Invitae Evidence Modeling of protein sequence and biophysical properties (such as structural, functional, and spatial information, amino acid conservation, physicochemical variation, residue mobility, and thermodynamic stability) indicates that this missense variant is expected to disrupt ANO5 protein function with a positive predictive value of 95%. In summary, the available evidence is currently insufficient to determine the role of this variant in disease. Therefore, it has been classified as a Variant of Uncertain Significance.